The following is an entry in ClinVar:

NM_032578.4(MYPN):c.1586A>C (p.Gln529Pro)

Gene: MYPN (myopalladin; plus strand). Cytogenetic location: 10q21.3.
Variant type: single nucleotide variant.
Coding change: c.1586A>C on transcript NM_032578.4 (MANE Select); coding-DNA position 1586, A replaced by C.
Protein change: p.Gln529Pro; replaces glutamine 529 with proline.
Molecular consequence: missense variant. On other transcripts: non-coding transcript variant (2).
Genome position (GRCh38, 1-based): chr10:68,165,804, A>C. VCF-style: chr10-68165804-A-C. GRCh37 (hg19) VCF-style: chr10-69925561-A-C.
Other names: c.1586A>C, p.Gln529Pro (NM_001256267.2); c.704A>C, p.Gln235Pro (NM_001256268.2); c.1586A>C (NM_032578.3); short protein forms Q529P, Q235P.
Identifiers: ClinVar variation 1519228 (VCV001519228.8), dbSNP rs1158070956, ClinGen allele CA376838489.

ClinVar aggregate classification (germline): Uncertain significance. Review status: criteria provided, multiple submitters, no conflicts (2 of 4 stars). 3 submissions from 3 submitters: Uncertain significance (3). Last evaluated 2024-10-08.

Conditions:
Cardiovascular phenotype. Identifiers: MedGen CN230736.
Dilated cardiomyopathy 1KK (CMD1KK). Identifiers: Orphanet 154, Orphanet 75249, MedGen C3714995, MONDO:0014100, OMIM 615248.

Submissions (3):

Labcorp Genetics (formerly Invitae), Labcorp
Classification: Uncertain significance for Dilated cardiomyopathy 1KK. Last evaluated: 2024-10-08. Review status: criteria provided, single submitter. Criteria: Invitae Variant Classification Sherloc (09022015). Collection method: clinical testing. Allele origin: germline.
Comment: This sequence change replaces glutamine, which is neutral and polar, with proline, which is neutral and non-polar, at codon 529 of the MYPN protein (p.Gln529Pro). This variant is not present in population databases (gnomAD no frequency). This variant has not been reported in the literature in individuals affected with MYPN-related conditions. ClinVar contains an entry for this variant (Variation ID: 1519228). An algorithm developed to predict the effect of missense changes on protein structure and function (PolyPhen-2) suggests that this variant¬†is likely to be tolerated. In summary, the available evidence is currently insufficient to determine the role of this variant in disease. Therefore, it has been classified as a Variant of Uncertain Significance.

GeneDx
Classification: Uncertain significance. Last evaluated: 2024-05-22. Review status: criteria provided, single submitter. Criteria: GeneDx Variant Classification Process June 2021. Collection method: clinical testing. Allele origin: germline. Affected: yes.
Comment: Has not been previously published as pathogenic or benign to our knowledge; Not observed at significant frequency in large population cohorts (gnomAD); In silico analysis supports that this missense variant has a deleterious effect on protein structure/function

Ambry Genetics
Classification: Uncertain significance for Cardiovascular phenotype. Last evaluated: 2023-10-08. Review status: criteria provided, single submitter. Criteria: Ambry Variant Classification Scheme 2023. Collection method: clinical testing. Allele origin: germline.
Comment: The p.Q529P variant (also known as c.1586A>C), located in coding exon 8 of the MYPN gene, results from an A to C substitution at nucleotide position 1586. The glutamine at codon 529 is replaced by proline, an amino acid with similar properties. This amino acid position is not well conserved in available vertebrate species. In addition, the in silico prediction for this alteration is inconclusive. Since supporting evidence is limited at this time, the clinical significance of this alteration remains unclear.